The following is an entry in ClinVar:

ClinVar aggregate classification (germline): Likely benign (1 of 4 stars; one submission).

gnomAD v4.1: 2 of 1,613,100 alleles (0.00012%); highest among the groups gnomAD compares: African/African-American, 0.0027%; no homozygotes.

Submission:

CeGaT Center for Human Genetics Tuebingen
Classification: Likely benign. Last evaluated: 2025-05-01. Review status: criteria provided, single submitter. Criteria: CeGaT Center For Human Genetics Tuebingen Variant Classification Criteria Version 2. Collection method: clinical testing. Allele origin: germline. Affected: yes. Observed: 1 variant allele.
Comment: ARHGDIA: BP4, BP7

NM_004309.6(ARHGDIA):c.321T>C (p.Gly107=)

Gene: ARHGDIA (Rho GDP dissociation inhibitor alpha; minus strand). Cytogenetic location: 17q25.3.
Variant type: single nucleotide variant.
Coding change: c.321T>C on transcript NM_004309.6 (MANE Select); coding-DNA position 321, T replaced by C.
Protein change: p.Gly107=; no amino-acid change (glycine 107 retained).
Molecular consequence: synonymous variant.
Genome position (GRCh38, 1-based): chr17:81,869,360, A>G on the plus strand (T>C on the coding strand, the complement: ARHGDIA is on the minus strand). VCF-style: chr17-81869360-A-G. GRCh37 (hg19) VCF-style: chr17-79827236-A-G.
Other names: c.321T>C, p.Gly107= (NM_001301241.2, NM_001301242.2, NM_001185077.3 and 2 more transcripts); c.456T>C, p.Gly152= (NM_001301243.2).
Identifiers: ClinVar variation 3905466 (VCV003905466.10).